The following is an entry in ClinVar:

NM_000530.8(MPZ):c.407T>A (p.Val136Glu)

Gene: MPZ (myelin protein zero; minus strand). Cytogenetic location: 1q23.3.
Variant type: single nucleotide variant.
Coding change: c.407T>A on transcript NM_000530.8 (MANE Select); coding-DNA position 407, T replaced by A.
Protein change: p.Val136Glu; replaces valine 136 with glutamic acid.
Molecular consequence: missense variant.
Genome position (GRCh38, 1-based): chr1:161,306,749, A>T on the plus strand (T>A on the coding strand, the complement: MPZ is on the minus strand). VCF-style: chr1-161306749-A-T. GRCh37 (hg19) VCF-style: chr1-161276539-A-T.
Other names: c.407T>A (LRG_256t1); c.407T>A, p.Val136Glu (NM_001315491.2); short protein forms V136E.
Identifiers: ClinVar variation 637755 (VCV000637755.10), dbSNP rs1571818744, ClinGen allele CA343348605.

ClinVar aggregate classification (germline): Uncertain significance. Review status: criteria provided, single submitter (1 of 4 stars). 2 submissions from 2 submitters: Uncertain significance (1). 1 of the submissions does not count toward it. Last evaluated 2019-01-27.

Conditions:
Charcot-Marie-Tooth disease, type I (CMT1). Also called: Charcot-Marie-Tooth disease type 1; Charcot-Marie-Tooth, Type 1. Identifiers: Orphanet 65753, MedGen C0751036, MONDO:0019011.
Dejerine-Sottas disease. Also called: Hereditary motor and sensory neuropathy 3; HMSN Type III; Charcot-Marie-Tooth disease type 3; DEJERINE-SOTTAS NEUROPATHY; HEREDITARY MOTOR AND SENSORY NEUROPATHY TYPE III. Identifiers: Orphanet 64748, MedGen C0011195, MONDO:0007790, OMIM 145900.

Submissions (2):

Labcorp Genetics (formerly Invitae), Labcorp
Classification: Uncertain significance for Charcot-Marie-Tooth disease, type I. Last evaluated: 2019-01-27. Review status: criteria provided, single submitter. Criteria: Invitae Variant Classification Sherloc (09022015). Collection method: clinical testing. Allele origin: germline.
Comment: In summary, the available evidence is currently insufficient to determine the role of this variant in disease. Therefore, it has been classified as a Variant of Uncertain Significance. Algorithms developed to predict the effect of missense changes on protein structure and function (SIFT, PolyPhen-2, Align-GVGD) all suggest that this variant is likely to be tolerated, but these predictions have not been confirmed by published functional studies and their clinical significance is uncertain. This variant has been observed in a family affected with Charcot-Marie-Tooth disease (PMID: 11835375). This variant is not present in population databases (ExAC no frequency). This sequence change replaces valine with glutamic acid at codon 136 of the MPZ protein (p.Val136Glu). The valine residue is highly conserved and there is a moderate physicochemical difference between valine and glutamic acid.

Inherited Neuropathy Consortium
Classification: Uncertain significance for Dejerine-Sottas disease. Review status: no assertion criteria provided. Collection method: literature only. Allele origin: germline. Affected: yes. Not counted in ClinVar's aggregate classification.

Literature cited by the submitters: PubMed 11835375 (cited by Labcorp Genetics (formerly Invitae), Labcorp and Inherited Neuropathy Consortium).